The following is an entry in ClinVar:

ClinVar aggregate classification (germline): Pathogenic (1 of 4 stars; one submission).

Conditions:
Medium-chain acyl-coenzyme A dehydrogenase deficiency (ACADMD). Also called: MCADH DEFICIENCY; MCADD; ACADM DEFICIENCY; CARNITINE DEFICIENCY SECONDARY TO MEDIUM-CHAIN ACYL-CoA DEHYDROGENASE DEFICIENCY; Medium chain acyl-CoA dehydrogenase deficiency; MCAD Deficiency. Identifiers: Orphanet 42, MedGen C0220710, MONDO:0008721, OMIM 201450.

Submission:

Labcorp Genetics (formerly Invitae), Labcorp
Classification: Pathogenic for Medium-chain acyl-coenzyme A dehydrogenase deficiency. Last evaluated: 2023-04-28. Review status: criteria provided, single submitter. Criteria: Invitae Variant Classification Sherloc (09022015). Collection method: clinical testing. Allele origin: germline.
Comment: This variant has not been reported in the literature in individuals affected with ACADM-related conditions. This sequence change creates a premature translational stop signal (p.Ser22*) in the ACADM gene. It is expected to result in an absent or disrupted protein product. Loss-of-function variants in ACADM are known to be pathogenic (PMID: 16121256, 20434380). This variant is not present in population databases (gnomAD no frequency). For these reasons, this variant has been classified as Pathogenic.

Literature cited by the submitters: PubMed 16121256; PubMed 20434380.

NM_000016.6(ACADM):c.65C>G (p.Ser22Ter)

Gene: ACADM (acyl-CoA dehydrogenase medium chain; plus strand). Cytogenetic location: 1p31.1.
Variant type: single nucleotide variant.
Coding change: c.65C>G on transcript NM_000016.6 (MANE Select); coding-DNA position 65, C replaced by G.
Protein change: p.Ser22Ter; replaces serine 22 with a stop codon.
Molecular consequence: nonsense. On other transcripts: intron variant (2).
Genome position (GRCh38, 1-based): chr1:75,728,435, C>G. VCF-style: chr1-75728435-C-G. GRCh37 (hg19) VCF-style: chr1-76194120-C-G.
Other names: c.77C>G, p.Ser26Ter (NM_001127328.3); c.65C>G, p.Ser22Ter (NM_001286043.2); c.10+3618C>G (NM_001286042.2); c.-268+3618C>G (NM_001286044.2); short protein forms S22*, S26*.
Identifiers: ClinVar variation 2860059 (VCV002860059.3), dbSNP rs1325609596, ClinGen allele CA340807119.